The following is an entry in ClinVar:

ClinVar aggregate classification (germline): Pathogenic (1 of 4 stars; one submission).

Conditions:
Primary ciliary dyskinesia 28. Also called: CILIARY DYSKINESIA, PRIMARY, 28, WITH OR WITHOUT SITUS INVERSUS. Identifiers: Orphanet 244, MedGen C3809706, MONDO:0014216, OMIM 615505.

Allele frequency attached by ClinVar (database versions not stated): gnomAD exomes below 0.00001 and 0.00001; TOPMed below 0.00001; gnomAD 0.00001; ExAC 0.00002.
gnomAD v4.1: 4 of 1,533,380 alleles (0.00026%); highest among the groups gnomAD compares: South Asian, 0.0011%; no homozygotes.

Submission:

Labcorp Genetics (formerly Invitae), Labcorp
Classification: Pathogenic for Primary ciliary dyskinesia 28. Last evaluated: 2021-02-09. Review status: criteria provided, single submitter. Criteria: Invitae Variant Classification Sherloc (09022015). Collection method: clinical testing. Allele origin: germline.
Comment: This sequence change creates a premature translational stop signal (p.Lys107*) in the SPAG1 gene. It is expected to result in an absent or disrupted protein product. This variant is present in population databases (rs752479330, ExAC 0.004%). This variant has not been reported in the literature in individuals with SPAG1-related disease. ClinVar contains an entry for this variant (Variation ID: 410980). Loss-of-function variants in SPAG1 are known to be pathogenic (PMID: 24055112). For these reasons, this variant has been classified as Pathogenic.

Literature cited by the submitters: PubMed 24055112.

NM_003114.5(SPAG1):c.319A>T (p.Lys107Ter)

Gene: SPAG1 (sperm associated antigen 1; plus strand). Cytogenetic location: 8q22.2.
Variant type: single nucleotide variant.
Coding change: c.319A>T on transcript NM_003114.5 (MANE Select); coding-DNA position 319, A replaced by T.
Protein change: p.Lys107Ter; replaces lysine 107 with a stop codon.
Molecular consequence: nonsense.
Genome position (GRCh38, 1-based): chr8:100,177,834, A>T. VCF-style: chr8-100177834-A-T. GRCh37 (hg19) VCF-style: chr8-101190062-A-T.
Other names: c.319A>T, p.Lys107Ter (NM_001374321.1, NM_172218.3); short protein forms K107*.
Identifiers: ClinVar variation 410980 (VCV000410980.7), dbSNP rs752479330, ClinGen allele CA4827228.
Genomic context (GRCh38, chr8:100,177,834, plus strand): 5'-AATTATTTCAAACTATATATTTACCCTTTTCTCTATTCTCAGAGTTGGGTATCAGAAATT[A>T]AAAAAGAAGAAGATAAAATGCACTTTCATGAAACTGAGACATTTCCAGCAATGAAAGATA-3'